The following is an entry in ClinVar:

ClinVar aggregate classification (germline): Benign/Likely benign. Review status: criteria provided, multiple submitters, no conflicts (2 of 4 stars). 26 submissions from 19 submitters: Benign (18); Likely benign (3). 5 of the submissions do not count toward it. Last evaluated 2026-02-04.

Conditions:
Dilated cardiomyopathy 1G (CMD1G). Identifiers: Orphanet 154, MedGen C1858763, MONDO:0011400, OMIM 604145.
Autosomal recessive limb-girdle muscular dystrophy type 2J (LGMDR10). Also called: MUSCULAR DYSTROPHY, LIMB-GIRDLE, AUTOSOMAL RECESSIVE 10; Limb-girdle muscular dystrophy, type 2J. Identifiers: Orphanet 140922, MedGen C1837342, MONDO:0012127, OMIM 608807.
Cardiovascular phenotype. Identifiers: MedGen CN230736.
Early-onset myopathy with fatal cardiomyopathy (CMYO5). Also called: CONGENITAL MYOPATHY 5 WITH CARDIOMYOPATHY; Salih Myopathy. Identifiers: Orphanet 289377, MedGen C2673677, MONDO:0012714, OMIM 611705. Disease mechanism: loss of function.
Myopathy, myofibrillar, 9, with early respiratory failure (MFM9). Also called: Myopathy, distal, with early respiratory failure, autosomal dominant; Hereditary myopathy with early respiratory failure; MYOPATHY, PROXIMAL, WITH EARLY RESPIRATORY MUSCLE INVOLVEMENT; EDSTROM MYOPATHY. Identifiers: Orphanet 178464, Orphanet 34521, MedGen C1863599, MONDO:0011362, OMIM 603689.
Tibial muscular dystrophy (TMD). Also called: Udd Distal Myopathy – Tibial Muscular Dystrophy; Tibial muscular dystrophy, tardive; UDD MYOPATHY. Identifiers: Orphanet 609, MedGen C1838244, MONDO:0010870, OMIM 600334.

Allele frequency attached by ClinVar (database versions not stated): ESP Exome Variant Server 0.01100; ExAC 0.00360; 1000 Genomes Project 0.01637; 1000 Genomes Project 30x 0.01811; gnomAD exomes 0.00289; gnomAD 0.01175 and 0.01263; TOPMed 0.01364.
gnomAD v4.1: 3,554 of 1,613,248 alleles (0.22%); highest among the groups gnomAD compares: African/African-American, 4.2%; 71 homozygotes.

Submissions (26):

Labcorp Genetics (formerly Invitae), Labcorp
Classification: Benign for Dilated cardiomyopathy 1G; Autosomal recessive limb-girdle muscular dystrophy type 2J. Last evaluated: 2026-02-04. Review status: criteria provided, single submitter. Criteria: Invitae Variant Classification Sherloc (09022015). Collection method: clinical testing. Allele origin: germline.

Molecular Diagnostic Laboratory for Inherited Cardiovascular Disease, Montreal Heart Institute
Classification: Benign. Last evaluated: 2025-04-09. Review status: criteria provided, single submitter. Criteria: ACMG Guidelines, 2015. Collection method: clinical testing. Allele origin: germline. Affected: no.

ARUP Laboratories, Molecular Genetics and Genomics, ARUP Laboratories
Classification: Benign. Last evaluated: 2025-04-08. Review status: criteria provided, single submitter. Criteria: ARUP Molecular Germline Variant Investigation Process 2024. Collection method: clinical testing. Allele origin: germline.

Athena Diagnostics
Classification: Benign. Last evaluated: 2024-12-17. Review status: criteria provided, single submitter. Criteria: Athena Diagnostics Criteria. Collection method: clinical testing. Allele origin: unknown.
Comment: The frequency of this variant in the general population is higher than would generally be expected for pathogenic variants in this gene. Computational tools yielded predictions that this variant is unlikely to have an effect on normal RNA splicing. This nucleotide position exhibits low evolutionary conservation.

Blueprint Genetics
Classification: Likely benign. Last evaluated: 2024-11-14. Review status: criteria provided, single submitter. Criteria: ACMG Guidelines, 2015. Collection method: clinical testing. Allele origin: germline.

Mayo Clinic Laboratories, Mayo Clinic
Classification: Benign. Last evaluated: 2022-05-02. Review status: criteria provided, single submitter. Criteria: ACMG Guidelines, 2015. Collection method: clinical testing. Allele origin: germline. Observed: 31 variant alleles.
Comment: BS1, BS2, BP4, BP7

Genome-Nilou Lab
Classification: Benign for Autosomal recessive limb-girdle muscular dystrophy type 2J. Last evaluated: 2021-09-10. Review status: criteria provided, single submitter. Criteria: ACMG Guidelines, 2015. Collection method: clinical testing. Allele origin: germline. Affected: no.

Genome-Nilou Lab
Classification: Benign for Myopathy, myofibrillar, 9, with early respiratory failure. Last evaluated: 2021-09-10. Review status: criteria provided, single submitter. Criteria: ACMG Guidelines, 2015. Collection method: clinical testing. Allele origin: germline. Affected: no.

Genome-Nilou Lab
Classification: Benign for Early-onset myopathy with fatal cardiomyopathy. Last evaluated: 2021-09-10. Review status: criteria provided, single submitter. Criteria: ACMG Guidelines, 2015. Collection method: clinical testing. Allele origin: germline. Affected: no.

Genome-Nilou Lab
Classification: Benign for Tibial muscular dystrophy. Last evaluated: 2021-09-10. Review status: criteria provided, single submitter. Criteria: ACMG Guidelines, 2015. Collection method: clinical testing. Allele origin: germline. Affected: no.

Women's Health and Genetics/Laboratory Corporation of America, LabCorp
Classification: Benign. Last evaluated: 2019-08-30. Review status: criteria provided, single submitter. Criteria: LabCorp Variant Classification Summary - May 2015. Collection method: clinical testing. Allele origin: germline.

Illumina Laboratory Services, Illumina
Classification: Benign for Tibial muscular dystrophy. Last evaluated: 2018-01-13. Review status: criteria provided, single submitter. Criteria: ICSL Variant Classification Criteria 13 December 2019. Collection method: clinical testing. Allele origin: germline.
Comment: This variant was observed in the ICSL laboratory as part of a predisposition screen in an ostensibly healthy population. It had not been previously curated by ICSL or reported in the Human Gene Mutation Database (HGMD: prior to June 1st, 2018), and was therefore a candidate for classification through an automated scoring system. Utilizing variant allele frequency, disease prevalence and penetrance estimates, and inheritance mode, an automated score was calculated to assess if this variant is too frequent to cause the disease. Based on the score and internal cut-off values, a variant classified as benign is not then subjected to further curation. The score for this variant resulted in a classification of benign for this disease.

Illumina Laboratory Services, Illumina
Classification: Likely benign for Dilated cardiomyopathy 1G. Last evaluated: 2018-01-13. Review status: criteria provided, single submitter. Criteria: ICSL Variant Classification Criteria 13 December 2019. Collection method: clinical testing. Allele origin: germline.
Comment: This variant was observed in the ICSL laboratory as part of a predisposition screen in an ostensibly healthy population. It had not been previously curated by ICSL or reported in the Human Gene Mutation Database (HGMD: prior to June 1st, 2018), and was therefore a candidate for classification through an automated scoring system. Utilizing variant allele frequency, disease prevalence and penetrance estimates, and inheritance mode, an automated score was calculated to assess if this variant is too frequent to cause the disease. Based on the score and internal cut-off values, a variant classified as likely benign is not then subjected to further curation. The score for this variant resulted in a classification of likely benign for this disease.

Illumina Laboratory Services, Illumina
Classification: Benign for Autosomal recessive limb-girdle muscular dystrophy type 2J. Last evaluated: 2018-01-13. Review status: criteria provided, single submitter. Criteria: ICSL Variant Classification Criteria 13 December 2019. Collection method: clinical testing. Allele origin: germline.
Comment: the same text as in the submission from Illumina Laboratory Services, Illumina above.

Illumina Laboratory Services, Illumina
Classification: Benign for Early-onset myopathy with fatal cardiomyopathy. Last evaluated: 2018-01-13. Review status: criteria provided, single submitter. Criteria: ICSL Variant Classification Criteria 13 December 2019. Collection method: clinical testing. Allele origin: germline.
Comment: the same text as in the submission from Illumina Laboratory Services, Illumina above.

Illumina Laboratory Services, Illumina
Classification: Benign for Myopathy, myofibrillar, 9, with early respiratory failure. Last evaluated: 2018-01-13. Review status: criteria provided, single submitter. Criteria: ICSL Variant Classification Criteria 13 December 2019. Collection method: clinical testing. Allele origin: germline.
Comment: the same text as in the submission from Illumina Laboratory Services, Illumina above.

GeneDx
Classification: Benign. Last evaluated: 2014-06-03. Review status: criteria provided, single submitter. Criteria: GeneDx Variant Classification (06012015). Collection method: clinical testing. Allele origin: germline. Affected: yes.
Comment: This variant is considered likely benign or benign based on one or more of the following criteria: it is a conservative change, it occurs at a poorly conserved position in the protein, it is predicted to be benign by multiple in silico algorithms, and/or has population frequency not consistent with disease.

Ambry Genetics
Classification: Benign for Cardiovascular phenotype. Last evaluated: 2013-10-17. Review status: criteria provided, single submitter. Criteria: Ambry Autosomal Dominant and X-Linked criteria (10/2015). Collection method: clinical testing. Allele origin: germline. Observed: 1 variant allele.

Eurofins Ntd Llc (ga)
Classification: Benign. Last evaluated: 2013-08-01. Review status: criteria provided, single submitter. Criteria: EGL Classification Definitions 2015. Collection method: clinical testing. Allele origin: germline. Observed: 1 variant allele, 1 heterozygote.

Laboratory for Molecular Medicine, Mass General Brigham Personalized Medicine
Classification: Benign. Last evaluated: 2012-07-03. Review status: criteria provided, single submitter. Criteria: LMM Criteria. Collection method: clinical testing. Allele origin: germline. Observed: 20 variant alleles.
Comment: 3.4% (134/3994) of Afr Amer chrom from ESP

Breakthrough Genomics
Classification: Likely benign. Review status: criteria provided, single submitter. Criteria: ACMG Guidelines, 2015. Collection method: not provided. Allele origin: germline. Inheritance: Autosomal recessive inheritance. Affected: yes.

Clinical Genetics DNA and cytogenetics Diagnostics Lab, Erasmus MC, Erasmus Medical Center
Classification: Benign. Review status: no assertion criteria provided. Collection method: clinical testing. Allele origin: germline. Affected: yes. Study: VKGL Data-share Consensus. Not counted in ClinVar's aggregate classification.

Clinical Genetics, Academic Medical Center
Classification: Benign. Review status: no assertion criteria provided. Collection method: clinical testing. Allele origin: germline. Affected: yes. Study: VKGL Data-share Consensus. Not counted in ClinVar's aggregate classification.

Genetic Services Laboratory, University of Chicago
Classification: Likely benign for AllHighlyPenetrant. Review status: no assertion criteria provided. Collection method: clinical testing. Allele origin: germline. Not counted in ClinVar's aggregate classification.
Comment: Likely benign based on allele frequency in 1000 Genomes Project or ESP global frequency and its presence in a patient with a rare or unrelated disease phenotype. NOT Sanger confirmed.

Joint Genome Diagnostic Labs from Nijmegen and Maastricht, Radboudumc and MUMC+
Classification: Benign. Review status: no assertion criteria provided. Collection method: clinical testing. Allele origin: germline. Affected: yes. Study: VKGL Data-share Consensus. Not counted in ClinVar's aggregate classification.

Laboratory of Diagnostic Genome Analysis, Leiden University Medical Center (LUMC)
Classification: Likely benign. Review status: no assertion criteria provided. Collection method: clinical testing. Allele origin: germline. Affected: yes. Study: VKGL Data-share Consensus. Not counted in ClinVar's aggregate classification.

NM_001267550.2(TTN):c.23001G>A (p.Thr7667=)

Gene: TTN (titin; minus strand). Cytogenetic location: 2q31.2.
Variant type: single nucleotide variant.
Coding change: c.23001G>A on transcript NM_001267550.2 (MANE Select); coding-DNA position 23001, G replaced by A.
Protein change: p.Thr7667=; no amino-acid change (threonine 7667 retained).
Molecular consequence: synonymous variant. On other transcripts: intron variant (3).
Genome position (GRCh38, 1-based): chr2:178,721,018, C>T on the plus strand (G>A on the coding strand, the complement: TTN is on the minus strand). VCF-style: chr2-178721018-C-T. GRCh37 (hg19) VCF-style: chr2-179585745-C-T.
Other names: p.T6423T:ACG>ACA; p.Thr6423=; c.22050G>A, p.Thr7350= (NM_001256850.1); c.19269G>A, p.Thr6423= (NM_133378.4); c.13282+17064G>A (NM_003319.4); c.13858+17064G>A (NM_133437.4); c.13657+17064G>A (NM_133432.3).
Identifiers: ClinVar variation 46708 (VCV000046708.51), dbSNP rs16866467, ClinGen allele CA282845.